The following is an entry in ClinVar:

ClinVar aggregate classification (germline): Uncertain significance (1 of 4 stars; one submission).

Submission:

Labcorp Genetics (formerly Invitae), Labcorp
Classification: Uncertain significance. Last evaluated: 2025-05-19. Review status: criteria provided, single submitter. Criteria: Invitae Variant Classification Sherloc (09022015). Collection method: clinical testing. Allele origin: germline.
Comment: This sequence change replaces glutamine, which is neutral and polar, with histidine, which is basic and polar, at codon 592 of the ASXL2 protein (p.Gln592His). This variant is present in population databases (no rsID available, gnomAD 0.01%). This variant has not been reported in the literature in individuals affected with ASXL2-related conditions. Invitae Evidence Modeling of protein sequence and biophysical properties (such as structural, functional, and spatial information, amino acid conservation, physicochemical variation, residue mobility, and thermodynamic stability) indicates that this missense variant is not expected to disrupt ASXL2 protein function with a negative predictive value of 80%. In summary, the available evidence is currently insufficient to determine the role of this variant in disease. Therefore, it has been classified as a Variant of Uncertain Significance.

NM_018263.6(ASXL2):c.1776G>T (p.Gln592His)

Gene: ASXL2 (ASXL transcriptional regulator 2; minus strand). Cytogenetic location: 2p23.3.
Variant type: single nucleotide variant.
Coding change: c.1776G>T on transcript NM_018263.6 (MANE Select); coding-DNA position 1776, G replaced by T.
Protein change: p.Gln592His; replaces glutamine 592 with histidine.
Molecular consequence: missense variant.
Genome position (GRCh38, 1-based): chr2:25,749,780, C>A on the plus strand (G>T on the coding strand, the complement: ASXL2 is on the minus strand). VCF-style: chr2-25749780-C-A. GRCh37 (hg19) VCF-style: chr2-25972649-C-A.
Other names: c.1602G>T, p.Gln534His (NM_001369346.1); c.996G>T, p.Gln332His (NM_001369347.1); short protein forms Q592H, Q332H, Q534H.
Identifiers: ClinVar variation 4775113 (VCV004775113.1).